The following is an entry in ClinVar:

NM_001369268.1(ACAN):c.499G>A (p.Asp167Asn)

Gene: ACAN (aggrecan; plus strand). Cytogenetic location: 15q26.1.
Variant type: single nucleotide variant.
Coding change: c.499G>A on transcript NM_001369268.1 (MANE Select); coding-DNA position 499, G replaced by A.
Protein change: p.Asp167Asn; replaces aspartic acid 167 with asparagine.
Molecular consequence: missense variant.
Genome position (GRCh38, 1-based): chr15:88,840,056, G>A. VCF-style: chr15-88840056-G-A. GRCh37 (hg19) VCF-style: chr15-89383287-G-A.
Other names: c.499G>A, p.Asp167Asn (NM_001135.4, NM_001411096.1, NM_001411097.1 and 1 more transcripts); short protein forms D167N.
Identifiers: ClinVar variation 2367489 (VCV002367489.4), dbSNP rs780709119, ClinGen allele CA7719251.

ClinVar aggregate classification (germline): Uncertain significance. Review status: criteria provided, multiple submitters, no conflicts (2 of 4 stars). 2 submissions from 2 submitters: Uncertain significance (2). Last evaluated 2025-04-10.

Conditions:
Inborn genetic diseases. Identifiers: MedGen C0950123, MeSH D030342.

Allele frequency attached by ClinVar (database versions not stated): TOPMed 0.00003; gnomAD 0.00004; gnomAD exomes 0.00009.
gnomAD v4.1: 135 of 1,602,982 alleles (0.0084%); highest among the groups gnomAD compares: Non-Finnish European, 0.01%; no homozygotes.

Submissions (2):

Labcorp Genetics (formerly Invitae), Labcorp
Classification: Uncertain significance. Last evaluated: 2025-04-10. Review status: criteria provided, single submitter. Criteria: Invitae Variant Classification Sherloc (09022015). Collection method: clinical testing. Allele origin: germline.
Comment: This sequence change replaces aspartic acid, which is acidic and polar, with asparagine, which is neutral and polar, at codon 167 of the ACAN protein (p.Asp167Asn). This variant is present in population databases (rs780709119, gnomAD 0.004%). This variant has not been reported in the literature in individuals affected with ACAN-related conditions. ClinVar contains an entry for this variant (Variation ID: 2367489). Invitae Evidence Modeling of protein sequence and biophysical properties (such as structural, functional, and spatial information, amino acid conservation, physicochemical variation, residue mobility, and thermodynamic stability) indicates that this missense variant is not expected to disrupt ACAN protein function with a negative predictive value of 80%. In summary, the available evidence is currently insufficient to determine the role of this variant in disease. Therefore, it has been classified as a Variant of Uncertain Significance.

Ambry Genetics
Classification: Uncertain significance for Inborn genetic diseases. Last evaluated: 2025-02-19. Review status: criteria provided, single submitter. Criteria: Ambry Variant Classification Scheme 2023. Collection method: clinical testing. Allele origin: germline.